The following is an entry in ClinVar:

NM_153006.3(NAGS):c.1231C>A (p.Leu411Met)

Gene: NAGS (N-acetylglutamate synthase; plus strand). Cytogenetic location: 17q21.31.
Variant type: single nucleotide variant.
Coding change: c.1231C>A on transcript NM_153006.3 (MANE Select); coding-DNA position 1231, C replaced by A.
Protein change: p.Leu411Met; replaces leucine 411 with methionine.
Molecular consequence: missense variant.
Genome position (GRCh38, 1-based): chr17:44,007,457, C>A. VCF-style: chr17-44007457-C-A. GRCh37 (hg19) VCF-style: chr17-42084825-C-A.
Other names: short protein forms L411M.
Identifiers: ClinVar variation 323447 (VCV000323447.7), dbSNP rs199923863, ClinGen allele CA8595343.
Genomic context (GRCh38, chr17:44,007,457, plus strand): 5'-CTAGTGGACCTGGTCAACGCCAGCTTCGGCAAGAAGCTCAGGGACGACTACCTGGCCTCG[C>A]TGCGCCCGCGGCTGCACTCCATCTACGTCTCCGAGGGGTAAGCCTGCGGACCCCAGAGGG-3'
Protein context (NP_694551.1, residues 401-421): KKLRDDYLAS[Leu411Met]RPRLHSIYVS

ClinVar aggregate classification (germline): Uncertain significance. Review status: criteria provided, multiple submitters, no conflicts (2 of 4 stars). 3 submissions from 3 submitters: Uncertain significance (3). Last evaluated 2022-07-04.

Conditions:
Hyperammonemia, type III (NAGSD). Also called: Hyperammonemia due to N-acetylglutamate synthase deficiency. Identifiers: Orphanet 927, MedGen C0268543, MONDO:0009377, OMIM 237310.
Inborn genetic diseases. Identifiers: MedGen C0950123, MeSH D030342.

Allele frequency attached by ClinVar (database versions not stated): gnomAD 0.00001 and 0.00002; gnomAD exomes 0.00004 and 0.00008; TOPMed 0.00004; ExAC 0.00008.
gnomAD v4.1: 67 of 1,613,748 alleles (0.0042%); highest among the groups gnomAD compares: Non-Finnish European, 0.00076%; 1 homozygote.

Submissions (3):

Labcorp Genetics (formerly Invitae), Labcorp
Classification: Uncertain significance for Hyperammonemia, type III. Last evaluated: 2022-07-04. Review status: criteria provided, single submitter. Criteria: Invitae Variant Classification Sherloc (09022015). Collection method: clinical testing. Allele origin: germline.
Comment: This sequence change replaces leucine, which is neutral and non-polar, with methionine, which is neutral and non-polar, at codon 411 of the NAGS protein (p.Leu411Met). This variant is present in population databases (rs199923863, gnomAD 0.2%). This variant has not been reported in the literature in individuals affected with NAGS-related conditions. ClinVar contains an entry for this variant (Variation ID: 323447). Algorithms developed to predict the effect of missense changes on protein structure and function are either unavailable or do not agree on the potential impact of this missense change (SIFT: "Tolerated"; PolyPhen-2: "Probably Damaging"; Align-GVGD: "Class C0"). In summary, the available evidence is currently insufficient to determine the role of this variant in disease. Therefore, it has been classified as a Variant of Uncertain Significance.

Ambry Genetics
Classification: Uncertain significance for Inborn genetic diseases. Last evaluated: 2021-06-06. Review status: criteria provided, single submitter. Criteria: Ambry Variant Classification Scheme 2023. Collection method: clinical testing. Allele origin: germline.

Illumina Laboratory Services, Illumina
Classification: Uncertain significance for Hyperammonemia, type III. Last evaluated: 2018-01-13. Review status: criteria provided, single submitter. Criteria: ICSL Variant Classification Criteria 13 December 2019. Collection method: clinical testing. Allele origin: germline.